The following is an entry in ClinVar:

ClinVar aggregate classification (germline): Uncertain significance (1 of 4 stars; one submission).

Conditions:
Epileptic encephalopathy. Identifiers: MedGen C0543888, HP:0200134.

Allele frequency attached by ClinVar (database versions not stated): gnomAD 0.00002; TOPMed 0.00002.
gnomAD v4.1: 10 of 1,613,666 alleles (0.00062%); highest among the groups gnomAD compares: Admixed American, 0.0067%; no homozygotes.

Submission:

Labcorp Genetics (formerly Invitae), Labcorp
Classification: Uncertain significance for Epileptic encephalopathy. Last evaluated: 2017-02-01. Review status: criteria provided, single submitter. Criteria: Invitae Variant Classification Sherloc (09022015). Collection method: clinical testing. Allele origin: germline.
Comment: In summary, this variant is a rare missense change that is not predicted to affect protein function. There is no indication that it causes disease, but the available evidence is currently insufficient to prove that conclusively. Therefore, it has been classified as a Variant of Uncertain Significance. Algorithms developed to predict the effect of missense changes on protein structure and function output the following: (SIFT: "Tolerated"; PolyPhen-2: "Benign"; Align-GVGD: "Class C0"). The valine amino acid residue is found in multiple mammalian species, suggesting that this missense change does not adversely affect protein function. These predictions have not been confirmed by published functional studies. This variant is present in population databases (rs777812122, ExAC 0.009%) but has not been reported in the literature in individuals with a RYR3-related disease. This sequence change replaces alanine with valine at codon 1760 of the RYR3 protein (p.Ala1760Val). The alanine residue is weakly conserved and there is a small physicochemical difference between alanine and valine.

NM_001036.6(RYR3):c.5279C>T (p.Ala1760Val)

Gene: RYR3 (ryanodine receptor 3; plus strand). Cytogenetic location: 15q14.
Variant type: single nucleotide variant.
Coding change: c.5279C>T on transcript NM_001036.6 (MANE Select); coding-DNA position 5279, C replaced by T.
Protein change: p.Ala1760Val; replaces alanine 1760 with valine.
Molecular consequence: missense variant.
Genome position (GRCh38, 1-based): chr15:33,662,809, C>T. VCF-style: chr15-33662809-C-T. GRCh37 (hg19) VCF-style: chr15-33955010-C-T.
Other names: c.5279C>T, p.Ala1760Val (NM_001243996.4); short protein forms A1760V.
Identifiers: ClinVar variation 461923 (VCV000461923.8), dbSNP rs777812122, ClinGen allele CA7459209.